The following is an entry in ClinVar:

NM_001370259.2(MEN1):c.1050-163T>C

Gene: MEN1 (menin 1; minus strand). Cytogenetic location: 11q13.1.
Variant type: single nucleotide variant.
Coding change: c.1050-163T>C on transcript NM_001370259.2 (MANE Select); 163 bases into the intron before coding-DNA position 1050, T replaced by C.
Molecular consequence: intron variant. On other transcripts: missense variant (1).
Genome position (GRCh38, 1-based): chr11:64,805,933, A>G on the plus strand (T>C on the coding strand, the complement: MEN1 is on the minus strand). VCF-style: chr11-64805933-A-G. GRCh37 (hg19) VCF-style: chr11-64573405-A-G.
Other names: c.1130T>C, p.Ile377Thr (NM_001370251.2); c.1065-163T>C (NM_130804.3, NM_130803.3, NM_000244.4 and 3 more transcripts); c.1050-163T>C (NM_130799.3, NM_001370260.2, NM_001370261.2); c.945-163T>C (NM_001370263.2, NM_001370262.2); short protein forms I377T.
Identifiers: ClinVar variation 1209281 (VCV001209281.29), dbSNP rs115859693, ClinGen allele CA223914181.

ClinVar aggregate classification (germline): Likely benign. Review status: criteria provided, multiple submitters, no conflicts (2 of 4 stars). 3 submissions from 3 submitters: Likely benign (3). Last evaluated 2026-07-01.

Allele frequency attached by ClinVar (database versions not stated): gnomAD 0.00381 and 0.00415; TOPMed 0.00381; 1000 Genomes Project 0.00399; 1000 Genomes Project 30x 0.00406.
gnomAD v4.1: 825 of 755,278 alleles (0.11%); highest among the groups gnomAD compares: African/African-American, 1.3%; 2 homozygotes.

Submissions (3):

CeGaT Center for Human Genetics Tuebingen
Classification: Likely benign. Last evaluated: 2026-07-01. Review status: criteria provided, single submitter. Criteria: CeGaT Center For Human Genetics Tuebingen Variant Classification Criteria Version 2. Collection method: clinical testing. Allele origin: germline. Affected: yes. Observed: 4 variant alleles.
Comment: MEN1: BS1

GeneDx
Classification: Likely benign. Last evaluated: 2019-06-22. Review status: criteria provided, single submitter. Criteria: GeneDx Variant Classification Process June 2021. Collection method: clinical testing. Allele origin: germline. Affected: yes.

Breakthrough Genomics
Classification: Likely benign. Review status: criteria provided, single submitter. Criteria: ACMG Guidelines, 2015. Collection method: not provided. Allele origin: germline. Inheritance: Autosomal dominant inheritance. Affected: yes.